The following is an entry in ClinVar:

NM_004260.4(RECQL4):c.2464-6C>G

Gene: RECQL4 (RecQ like helicase 4; minus strand). Cytogenetic location: 8q24.3.
Variant type: single nucleotide variant.
Coding change: c.2464-6C>G on transcript NM_004260.4 (MANE Select); 6 bases into the intron before coding-DNA position 2464, C replaced by G.
Molecular consequence: intron variant.
Genome position (GRCh38, 1-based): chr8:144,513,144, G>C on the plus strand (C>G on the coding strand, the complement: RECQL4 is on the minus strand). VCF-style: chr8-144513144-G-C. GRCh37 (hg19) VCF-style: chr8-145738527-G-C.
Other names: p.?.
Identifiers: ClinVar variation 459401 (VCV000459401.9), dbSNP rs1172497739, ClinGen allele CA586165242.

ClinVar aggregate classification (germline): Likely benign. Review status: criteria provided, multiple submitters, no conflicts (2 of 4 stars). 2 submissions from 2 submitters: Likely benign (2). Last evaluated 2025-10-20.

Conditions:
Baller-Gerold syndrome (BGS). Also called: CRANIOSYNOSTOSIS WITH RADIAL DEFECTS. Identifiers: Orphanet 1225, MedGen C0265308, MONDO:0009039, OMIM 218600.

Allele frequency attached by ClinVar (database versions not stated): gnomAD exomes 0.00001; TOPMed 0.00002.
gnomAD v4.1: 3 of 1,449,772 alleles (0.00021%); highest among the groups gnomAD compares: East Asian, 0.0087%; no homozygotes.

Submissions (2):

Labcorp Genetics (formerly Invitae), Labcorp
Classification: Likely benign for Baller-Gerold syndrome. Last evaluated: 2025-10-20. Review status: criteria provided, single submitter. Criteria: Invitae Variant Classification Sherloc (09022015). Collection method: clinical testing. Allele origin: germline.

Mayo Clinic Laboratories, Mayo Clinic
Classification: Likely benign. Last evaluated: 2025-03-05. Review status: criteria provided, single submitter. Criteria: ACMG Guidelines, 2015. Collection method: clinical testing. Allele origin: germline. Observed: 1 variant allele.
Comment: BP1, BP7